The following is an entry in ClinVar:

ClinVar aggregate classification (germline): Uncertain significance (1 of 4 stars; one submission).

Allele frequency attached by ClinVar (database versions not stated): TOPMed below 0.00001.

Submission:

GeneDx
Classification: Uncertain significance. Last evaluated: 2018-05-22. Review status: criteria provided, single submitter. Criteria: GeneDx Variant Classification (06012015). Collection method: clinical testing. Allele origin: germline. Affected: yes.
Comment: A variant of uncertain significance has been identified in the CACNA1C gene. The E1119D variant has not been published as pathogenic or been reported as benign to our knowledge. This variant is not observed in large population cohorts (Lek et al., 2016). However, the E1119D variant is a conservative amino acid substitution, which is not likely to impact secondary protein structure as these residues share similar properties. Finally, in-silico analyses, including protein predictors and evolutionary conservation, support that this variant does not alter protein structure/function. Therefore, based on the currently available information, it is unclear whether this variant is pathogenic or rare benign.

NM_000719.7(CACNA1C):c.3357G>C (p.Glu1119Asp)

Gene: CACNA1C (calcium voltage-gated channel subunit alpha1 C; plus strand). Cytogenetic location: 12p13.33.
Variant type: single nucleotide variant.
Coding change: c.3357G>C on transcript NM_000719.7 (MANE Select); coding-DNA position 3357, G replaced by C.
Protein change: p.Glu1119Asp; replaces glutamic acid 1119 with aspartic acid.
Molecular consequence: missense variant.
Genome position (GRCh38, 1-based): chr12:2,608,511, G>C. VCF-style: chr12-2608511-G-C. GRCh37 (hg19) VCF-style: chr12-2717677-G-C.
Other names: c.3417G>C, p.Glu1139Asp (NM_001129827.2, NM_001129832.2, NM_199460.4); c.3357G>C, p.Glu1119Asp (NM_001129829.2, NM_001129830.3, NM_001129831.2 and 15 more transcripts); c.3348G>C, p.Glu1116Asp (NM_001129844.2); short protein forms E1119D, E1139D, E1116D.
Identifiers: ClinVar variation 546438 (VCV000546438.2), dbSNP rs1555884341, ClinGen allele CA383375207.